The following is an entry in ClinVar:

ClinVar aggregate classification (germline): Uncertain significance (1 of 4 stars; one submission).

Conditions:
Hereditary cancer-predisposing syndrome. Also called: Tumor predisposition; Hereditary Cancer Syndrome; Neoplastic Syndromes, Hereditary; Hereditary neoplastic syndrome. Identifiers: Orphanet 140162, MedGen C0027672, MeSH D009386, MONDO:0015356.

Submission:

Ambry Genetics
Classification: Uncertain significance for Hereditary cancer-predisposing syndrome. Last evaluated: 2019-02-18. Review status: criteria provided, single submitter. Criteria: Ambry Variant Classification Scheme 2023. Collection method: clinical testing. Allele origin: germline.
Comment: The p.M1? variant (also known as c.2T>G) is located in coding exon 1 of the HOXB13 gene and results from a T to G substitution at nucleotide position 2. This alters the methionine residue at the initiation codon. Variations that modify the initiation codon (ATG) are expected to result in either loss of translation initiation, N-terminal truncation, or cause a shift in the mRNA reading frame; however, loss of function via haploinsufficiency in HOXB13 has not been clearly established as a mechanism of disease. Since supporting evidence is limited at this time, the clinical significance of this alteration remains unclear.

NM_006361.6(HOXB13):c.2T>G (p.Met1Arg)

Gene: HOXB13 (homeobox B13; minus strand). Cytogenetic location: 17q21.32.
Variant type: single nucleotide variant.
Coding change: c.2T>G on transcript NM_006361.6 (MANE Select); coding-DNA position 2, T replaced by G.
Protein change: p.Met1Arg; changes the start codon (methionine 1).
Molecular consequence: missense variant, initiator codon variant.
Genome position (GRCh38, 1-based): chr17:48,728,592, A>C on the plus strand (T>G on the coding strand, the complement: HOXB13 is on the minus strand). VCF-style: chr17-48728592-A-C. GRCh37 (hg19) VCF-style: chr17-46805954-A-C.
Other names: short protein forms M1R.
Identifiers: ClinVar variation 822548 (VCV000822548.5), dbSNP rs1306684985, ClinGen allele CA400110042.